The following is an entry in ClinVar:

ClinVar aggregate classification (germline): Uncertain significance (1 of 4 stars; one submission).

Conditions:
Cerebellar hypoplasia-intellectual disability-congenital microcephaly-dystonia-anemia-growth retardation syndrome. Also called: CIMDAG SYNDROME; CEREBELLAR HYPOPLASIA, CATARACTS, IMPAIRED INTELLECTUAL DEVELOPMENT, CONGENITAL MICROCEPHALY, DYSTONIA, DYSERYTHROPOIETIC ANEMIA, AND GROWTH RETARDATION. Identifiers: Orphanet 603448, MedGen C5543287, MONDO:0035819, OMIM 619273.

Submission:

3billion
Classification: Uncertain significance for Cerebellar hypoplasia-intellectual disability-congenital microcephaly-dystonia-anemia-growth retardation syndrome. Last evaluated: 2025-08-27. Review status: criteria provided, single submitter. Criteria: ACMG Guidelines, 2015. Collection method: clinical testing. Allele origin: germline. Affected: yes.
Comment: The variant is not observed in the gnomAD v4.1.0 dataset. Predicted Consequence/Location: Missense variant. Missense changes are a common disease-causing mechanism. In silico tool predictions suggest damaging effect of the variant on gene or gene product [REVEL: 0.85 (>=0.6, sensitivity 0.68 and specificity 0.92); 3Cnet: 0.90 (> 0.75, sensitivity 0.96 and precision 0.92)]. Therefore, this variant is classified as VUS according to the recommendation of ACMG/AMP guideline.

NM_013245.3(VPS4A):c.535G>A (p.Ala179Thr)

Gene: VPS4A (vacuolar protein sorting 4 homolog A; plus strand). Cytogenetic location: 16q22.1.
Variant type: single nucleotide variant.
Coding change: c.535G>A on transcript NM_013245.3 (MANE Select); coding-DNA position 535, G replaced by A.
Protein change: p.Ala179Thr; replaces alanine 179 with threonine.
Molecular consequence: missense variant.
Genome position (GRCh38, 1-based): chr16:69,319,458, G>A. VCF-style: chr16-69319458-G-A. GRCh37 (hg19) VCF-style: chr16-69353361-G-A.
Other names: short protein forms A179T.
Identifiers: ClinVar variation 4855561 (VCV004855561.1).